The following is an entry in ClinVar:

ClinVar aggregate classification (germline): Uncertain significance. Review status: criteria provided, multiple submitters, no conflicts (2 of 4 stars). 4 submissions from 4 submitters: Uncertain significance (4). Last evaluated 2026-01-06.

Conditions:
SAMD9-related disorder. Also called: SAMD9-related condition.

gnomAD v4.1: 38 of 1,613,814 alleles (0.0024%); highest among the groups gnomAD compares: Admixed American, 0.0067%; no homozygotes.

Submissions (4):

Labcorp Genetics (formerly Invitae), Labcorp
Classification: Uncertain significance. Last evaluated: 2026-01-06. Review status: criteria provided, single submitter. Criteria: Invitae Variant Classification Sherloc (09022015). Collection method: clinical testing. Allele origin: germline.
Comment: This sequence change creates a premature translational stop signal (p.Trp691*) in the SAMD9 gene. While this is not anticipated to result in nonsense mediated decay, it is expected to disrupt the last 899 amino acid(s) of the SAMD9 protein. This variant is present in population databases (rs764448205, gnomAD 0.03%). This variant has not been reported in the literature in individuals affected with SAMD9-related conditions. ClinVar contains an entry for this variant (Variation ID: 3368653). In summary, the available evidence is currently insufficient to determine the role of this variant in disease. Therefore, it has been classified as a Variant of Uncertain Significance.

Women's Health and Genetics/Laboratory Corporation of America, LabCorp
Classification: Uncertain significance. Last evaluated: 2025-12-23. Review status: criteria provided, single submitter. Criteria: LabCorp Variant Classification Summary - May 2015. Collection method: clinical testing. Allele origin: germline.
Comment: Variant summary: SAMD9 c.2073G>A (p.Trp691X) results in a premature termination codon, predicted to cause a truncation of the encoded protein in the last exon, however current evidence is not sufficient to establish loss of function as a mechanism for disease. The variant allele was found at a frequency of 7.2e-05 in 251028 control chromosomes. This frequency is not significantly higher than estimated for disease-causing variants in SAMD9, allowing no conclusion about variant significance. To our knowledge, no occurrence of c.2073G>A in individuals affected with SAMD9-related conditions and no experimental evidence demonstrating its impact on protein function have been reported. The following publication has been ascertained in the context of this evaluation (PMID: 24345752). ClinVar contains an entry for this variant (Variation ID: 3368653). Based on the evidence outlined above, the variant was classified as uncertain significance.

PreventionGenetics, part of Exact Sciences
Classification: Uncertain significance for SAMD9-related condition. Last evaluated: 2024-11-22. Review status: criteria provided, single submitter. Criteria: ACMG Guidelines, 2015. Collection method: clinical testing. Allele origin: germline.
Comment: The SAMD9 c.2073G>A variant is predicted to result in premature protein termination (p.Trp691*). To our knowledge, this variant has not been reported in the literature. This variant is reported in 0.036% of alleles in individuals of European (Finnish) descent in gnomAD. Loss of function is not an established mechanism of SAMD9-related disease. At this time, the clinical significance of this variant is uncertain due to the absence of conclusive functional and genetic evidence.

GeneDx
Classification: Uncertain significance. Last evaluated: 2024-01-31. Review status: criteria provided, single submitter. Criteria: GeneDx Variant Classification Process June 2021. Collection method: clinical testing. Allele origin: germline. Affected: yes.
Comment: Nonsense variant predicted to result in protein truncation as the last 899 amino acids are lost, in a gene for which loss of function is not an established mechanism of disease; Has not been previously published as pathogenic or benign to our knowledge; This variant is associated with the following publications: (PMID: 28545555)

Literature cited by the submitters: PubMed 24345752 (cited by Women's Health and Genetics/Laboratory Corporation of America, LabCorp).

NM_017654.4(SAMD9):c.2073G>A (p.Trp691Ter)

Gene: SAMD9 (sterile alpha motif domain containing 9; minus strand). Cytogenetic location: 7q21.2.
Variant type: single nucleotide variant.
Coding change: c.2073G>A on transcript NM_017654.4 (MANE Select); coding-DNA position 2073, G replaced by A.
Protein change: p.Trp691Ter; replaces tryptophan 691 with a stop codon.
Molecular consequence: nonsense.
Genome position (GRCh38, 1-based): chr7:93,104,025, C>T on the plus strand (G>A on the coding strand, the complement: SAMD9 is on the minus strand). VCF-style: chr7-93104025-C-T. GRCh37 (hg19) VCF-style: chr7-92733338-C-T.
Other names: c.2073G>A, p.Trp691Ter (NM_001193307.2); short protein forms W691*.
Identifiers: ClinVar variation 3368653 (VCV003368653.5).